The following is an entry in ClinVar:

NM_005591.4(MRE11):c.61A>G (p.Ile21Val)

Gene: MRE11 (MRE11 double strand break repair nuclease; minus strand). Cytogenetic location: 11q21.
Variant type: single nucleotide variant.
Coding change: c.61A>G on transcript NM_005591.4 (MANE Select); coding-DNA position 61, A replaced by G.
Protein change: p.Ile21Val; replaces isoleucine 21 with valine.
Molecular consequence: missense variant.
Genome position (GRCh38, 1-based): chr11:94,490,925, T>C on the plus strand (A>G on the coding strand, the complement: MRE11 is on the minus strand). VCF-style: chr11-94490925-T-C. GRCh37 (hg19) VCF-style: chr11-94224091-T-C.
Other names: c.61A>G, p.Ile21Val (NM_001330347.2, NM_005590.4); short protein forms I21V.
Identifiers: ClinVar variation 1799769 (VCV001799769.2), dbSNP rs2496653540, ClinGen allele CA382380977.

ClinVar aggregate classification (germline): Uncertain significance (1 of 4 stars; one submission).

Conditions:
Hereditary cancer-predisposing syndrome. Also called: Neoplastic Syndromes, Hereditary; Tumor predisposition; Hereditary Cancer Syndrome; Hereditary neoplastic syndrome. Identifiers: Orphanet 140162, MedGen C0027672, MeSH D009386, MONDO:0015356.

Allele frequency attached by ClinVar (database versions not stated): gnomAD exomes below 0.00001.
gnomAD v4.1: 1 of 1,557,430 alleles (0.000064%); highest among the groups gnomAD compares: Non-Finnish European, 0.000089%; no homozygotes.

Submission:

Ambry Genetics
Classification: Uncertain significance for Hereditary cancer-predisposing syndrome. Last evaluated: 2022-01-10. Review status: criteria provided, single submitter. Criteria: Ambry Variant Classification Scheme 2023. Collection method: clinical testing. Allele origin: germline.
Comment: The p.I21V variant (also known as c.61A>G), located in coding exon 2 of the MRE11A gene, results from an A to G substitution at nucleotide position 61. The isoleucine at codon 21 is replaced by valine, an amino acid with highly similar properties. This amino acid position is conserved. In addition, this alteration is predicted to be tolerated by in silico analysis. Since supporting evidence is limited at this time, the clinical significance of this alteration remains unclear.